The following is an entry in ClinVar:

NM_000038.6(APC):c.-18-3206C>A

Gene: APC (APC regulator of WNT signaling pathway; plus strand). Cytogenetic location: 5q22.2.
Variant type: single nucleotide variant.
Coding change: c.-18-3206C>A on transcript NM_000038.6 (MANE Select); 3206 bases into the intron before 18 bases upstream of the start codon, C replaced by A.
Molecular consequence: intron variant.
Genome position (GRCh38, 1-based): chr5:112,751,667, C>A. VCF-style: chr5-112751667-C-A. GRCh37 (hg19) VCF-style: chr5-112087364-C-A.
Other names: c.-18-3206C>A (NM_001354895.2, NM_001127510.3, NM_001354896.2 and 2 more transcripts); c.166-14659C>A (NM_001354897.2, NM_001354902.2, NM_001127511.3); c.60+13207C>A (NM_001354898.2, NM_001354904.2); c.-1053-3206C>A (NM_001354906.2); c.-43+13742C>A (NM_001354900.2, NM_001354901.2, NM_001354905.2).
Identifiers: ClinVar variation 82802 (VCV000082802.2), dbSNP rs79856040, ClinGen allele CA006068.
Genomic context (GRCh38, chr5:112,751,667, plus strand): 5'-GTCTGGTTTCTCTCCCCTATAAATGAATGATTTCTGTATATTTTGTACTATACTGTATTG[C>A]CAAATTATATTATTATAATAATATTTCATCGATGCTTTTGTATATTCCAGGTATATAATT-3'

ClinVar aggregate classification (germline): other (0 of 4 stars; one submission).

Conditions:
Familial colorectal cancer. Identifiers: MedGen CN280943, MONDO:0023113. Disease mechanism: loss of function.

Submission:

Systems Biology Platform Zhejiang California International NanoSystems Institute
Classification: other for Familial colorectal cancer. Review status: no assertion criteria provided. Collection method: not provided. Allele origin: unknown.
ClinVar note: Converted during submission from cancer to other.